The following is an entry in ClinVar:

ClinVar aggregate classification (germline): Uncertain significance (1 of 4 stars; one submission).

Conditions:
KIDINS220-related disorder. Also called: KIDINS220-related condition.

gnomAD v4.1: 8 of 1,614,110 alleles (0.0005%); highest among the groups gnomAD compares: Non-Finnish European, 0.00059%; no homozygotes.

Submission:

PreventionGenetics, part of Exact Sciences
Classification: Uncertain significance for KIDINS220-related condition. Last evaluated: 2025-08-13. Review status: criteria provided, single submitter. Criteria: ACMG Guidelines, 2015. Collection method: clinical testing. Allele origin: germline.
Comment: The KIDINS220 c.4296G>T variant is predicted to result in the amino acid substitution p.Glu1432Asp. To our knowledge, this variant has not been reported in the literature. This variant is reported in 0.0035% of alleles in individuals of European (Non-Finnish) descent in gnomAD. At this time, the clinical significance of this variant is uncertain due to the absence of conclusive functional and genetic evidence.

NM_020738.4(KIDINS220):c.4296G>T (p.Glu1432Asp)

Gene: KIDINS220 (kinase D interacting substrate 220; minus strand). Cytogenetic location: 2p25.1.
Variant type: single nucleotide variant.
Coding change: c.4296G>T on transcript NM_020738.4 (MANE Select); coding-DNA position 4296, G replaced by T.
Protein change: p.Glu1432Asp; replaces glutamic acid 1432 with aspartic acid.
Molecular consequence: missense variant. On other transcripts: intron variant (6).
Genome position (GRCh38, 1-based): chr2:8,731,740, C>A on the plus strand (G>T on the coding strand, the complement: KIDINS220 is on the minus strand). VCF-style: chr2-8731740-C-A. GRCh37 (hg19) VCF-style: chr2-8871870-C-A.
Other names: c.4299G>T, p.Glu1433Asp (NM_001348729.2); c.4242G>T, p.Glu1414Asp (NM_001348731.2); c.4239G>T, p.Glu1413Asp (NM_001348732.2); c.4128G>T, p.Glu1376Asp (NM_001348734.2); c.4125G>T, p.Glu1375Asp (NM_001348735.2); c.3999G>T, p.Glu1333Asp (NM_001348736.2); c.3882+1704G>T (NM_001348741.2, NM_001348742.2, NM_001348743.2); c.3996+1704G>T (NM_001348738.2); and 1 more; short protein forms E1375D, E1432D, E1376D, E1433D, E1333D, E1413D, E1414D.
Identifiers: ClinVar variation 4978627 (VCV004978627.1).